The following is an entry in ClinVar:

ClinVar aggregate classification (germline): Uncertain significance (1 of 4 stars; one submission).

Conditions:
Mowat-Wilson syndrome (MOWS). Also called: Classic Mowat-Wilson Syndrome. Identifiers: Orphanet 2152, MedGen C1856113, MONDO:0009341, OMIM 235730.

Allele frequency attached by ClinVar (database versions not stated): gnomAD exomes below 0.00001.
gnomAD v4.1: 2 of 1,613,772 alleles (0.00012%); highest among the groups gnomAD compares: Admixed American, 0.0017%; no homozygotes.

Submission:

Labcorp Genetics (formerly Invitae), Labcorp
Classification: Uncertain significance for Mowat-Wilson syndrome. Last evaluated: 2025-07-15. Review status: criteria provided, single submitter. Criteria: Invitae Variant Classification Sherloc (09022015). Collection method: clinical testing. Allele origin: germline.
Comment: This sequence change replaces tryptophan, which is neutral and slightly polar, with cysteine, which is neutral and slightly polar, at codon 97 of the ZEB2 protein (p.Trp97Cys). This variant is present in population databases (no rsID available, gnomAD 0.0009%). This variant has not been reported in the literature in individuals affected with ZEB2-related conditions. ClinVar contains an entry for this variant (Variation ID: 1981898). An algorithm developed to predict the effect of missense changes on protein structure and function (PolyPhen-2) suggests that this variant is likely to be disruptive. In summary, the available evidence is currently insufficient to determine the role of this variant in disease. Therefore, it has been classified as a Variant of Uncertain Significance.

NM_014795.4(ZEB2):c.291G>T (p.Trp97Cys)

Gene: ZEB2 (zinc finger E-box binding homeobox 2; minus strand). Cytogenetic location: 2q22.3.
Variant type: single nucleotide variant.
Coding change: c.291G>T on transcript NM_014795.4 (MANE Select); coding-DNA position 291, G replaced by T.
Protein change: p.Trp97Cys; replaces tryptophan 97 with cysteine.
Molecular consequence: missense variant.
Genome position (GRCh38, 1-based): chr2:144,429,809, C>A on the plus strand (G>T on the coding strand, the complement: ZEB2 is on the minus strand). VCF-style: chr2-144429809-C-A. GRCh37 (hg19) VCF-style: chr2-145187376-C-A.
Other names: c.291G>T, p.Trp97Cys (NM_001171653.2); short protein forms W97C.
Identifiers: ClinVar variation 1981898 (VCV001981898.4), dbSNP rs1455780012, ClinGen allele CA348718642.